The following is an entry in ClinVar:

ClinVar aggregate classification (germline): Uncertain significance (1 of 4 stars; one submission).

Conditions:
Hereditary spastic paraplegia 11. Also called: SPASTIC PARAPLEGIA, AUTOSOMAL RECESSIVE, COMPLICATED, WITH THIN CORPUS CALLOSUM; SPASTIC PARAPLEGIA, AUTOSOMAL RECESSIVE, WITH MENTAL IMPAIRMENT AND THIN CORPUS CALLOSUM; Spastic Paraplegia 11; Spastic paraplegia, mental retardation and thin corpus callosum; Nakamura Osame syndrome; Autosomal recessive hereditary spastic paraplegia, mental impairment, and thin corpus callosum. Identifiers: Orphanet 2822, MedGen C1858479, MONDO:0011445, OMIM 604360.

Allele frequency attached by ClinVar (database versions not stated): TOPMed below 0.00001.
gnomAD v4.1: 8 of 1,614,076 alleles (0.0005%); highest among the groups gnomAD compares: Admixed American, 0.0017%; no homozygotes.

Submission:

Labcorp Genetics (formerly Invitae), Labcorp
Classification: Uncertain significance for Hereditary spastic paraplegia 11. Last evaluated: 2021-09-01. Review status: criteria provided, single submitter. Criteria: Invitae Variant Classification Sherloc (09022015). Collection method: clinical testing. Allele origin: germline.
Comment: This sequence change replaces methionine with threonine at codon 2019 of the SPG11 protein (p.Met2019Thr). The methionine residue is moderately conserved and there is a moderate physicochemical difference between methionine and threonine. This variant is not present in population databases (ExAC no frequency). This variant has not been reported in the literature in individuals affected with SPG11-related conditions. Algorithms developed to predict the effect of missense changes on protein structure and function output the following: SIFT: "Deleterious"; PolyPhen-2: "Benign"; Align-GVGD: "Class C25". The threonine amino acid residue is found in multiple mammalian species, which suggests that this missense change does not adversely affect protein function. In summary, the available evidence is currently insufficient to determine the role of this variant in disease. Therefore, it has been classified as a Variant of Uncertain Significance.

NM_025137.4(SPG11):c.6056T>C (p.Met2019Thr)

Gene: SPG11 (SPG11 vesicle trafficking associated, spatacsin; minus strand). Cytogenetic location: 15q21.1.
Variant type: single nucleotide variant.
Coding change: c.6056T>C on transcript NM_025137.4 (MANE Select); coding-DNA position 6056, T replaced by C.
Protein change: p.Met2019Thr; replaces methionine 2019 with threonine.
Molecular consequence: missense variant. On other transcripts: intron variant (1).
Genome position (GRCh38, 1-based): chr15:44,573,696, A>G on the plus strand (T>C on the coding strand, the complement: SPG11 is on the minus strand). VCF-style: chr15-44573696-A-G. GRCh37 (hg19) VCF-style: chr15-44865894-A-G.
Other names: c.5867-876T>C (NM_001160227.2); short protein forms M2019T.
Identifiers: ClinVar variation 1016291 (VCV001016291.6), dbSNP rs1268897921, ClinGen allele CA392218397.